The following is an entry in ClinVar:

NC_000023.10:g.(?_32479316)_(32827748_?)del

Gene: DMD (dystrophin; minus strand). Cytogenetic location: Xp21.1.
Variant type: Deletion.
Identifiers: ClinVar variation 2424936 (VCV002424936.5).

ClinVar aggregate classification (germline): Pathogenic (1 of 4 stars; one submission).

Conditions:
Duchenne muscular dystrophy (DMD). Also called: Duchenne Muscular Dystrophy (DMD); MUSCULAR DYSTROPHY, PSEUDOHYPERTROPHIC PROGRESSIVE, DUCHENNE TYPE. Identifiers: Orphanet 98896, MedGen C0013264, MONDO:0010679, OMIM 310200.

Submission:

Labcorp Genetics (formerly Invitae), Labcorp
Classification: Pathogenic for Duchenne muscular dystrophy. Last evaluated: 2022-01-02. Review status: criteria provided, single submitter. Criteria: Invitae Variant Classification Sherloc (09022015). Collection method: clinical testing. Allele origin: germline.
Comment: For these reasons, this variant has been classified as Pathogenic. This variant has not been reported in the literature in individuals affected with DMD-related conditions. This variant is a gross deletion of the genomic region encompassing exon(s) 7-25 of the DMD gene. This deletion is out-of-frame, and is expected to create a premature termination codon and result in an absent or disrupted protein product. Loss-of-function variants in DMD are known to be pathogenic (PMID: 16770791, 25007885).

Literature cited by the submitters: PubMed 16770791; PubMed 25007885.